The following is an entry in ClinVar:

NM_006348.5(COG5):c.2123G>A (p.Arg708Gln)

Gene: COG5 (component of oligomeric golgi complex 5; minus strand). Cytogenetic location: 7q22.3.
Variant type: single nucleotide variant.
Coding change: c.2123G>A on transcript NM_006348.5 (MANE Select); coding-DNA position 2123, G replaced by A.
Protein change: p.Arg708Gln; replaces arginine 708 with glutamine.
Molecular consequence: missense variant. On other transcripts: intron variant (1).
Genome position (GRCh38, 1-based): chr7:107,230,660, C>T on the plus strand (G>A on the coding strand, the complement: COG5 is on the minus strand). VCF-style: chr7-107230660-C-T. GRCh37 (hg19) VCF-style: chr7-106871105-C-T.
Other names: c.2153G>A (NM_181733.2); c.2123G>A, p.Arg708Gln (NM_001161520.2, NM_001379513.1); c.1961G>A, p.Arg654Gln (NM_001379511.1); c.1949G>A, p.Arg650Gln (NM_001379512.1); c.1553G>A, p.Arg518Gln (NM_001379515.1); c.1409G>A, p.Arg470Gln (NM_001379516.1); c.2060G>A, p.Arg687Gln (NM_181733.4); c.1853+17736G>A (NM_001379514.1); short protein forms R518Q, R654Q, R470Q, R650Q, R687Q, R708Q.
Identifiers: ClinVar variation 1517538 (VCV001517538.6), dbSNP rs772812050, ClinGen allele CA4430685.

ClinVar aggregate classification (germline): Uncertain significance. Review status: criteria provided, multiple submitters, no conflicts (2 of 4 stars). 2 submissions from 2 submitters: Uncertain significance (2). Last evaluated 2025-10-29.

Conditions:
COG5-congenital disorder of glycosylation. Also called: CDG IIi; CONGENITAL DISORDER OF GLYCOSYLATION, TYPE IIi; COG5-CDG. Identifiers: Orphanet 263487, MedGen C3150876, MONDO:0013325, OMIM 613612.

Allele frequency attached by ClinVar (database versions not stated): gnomAD 0.00002; ExAC 0.00001; gnomAD exomes 0.00002; TOPMed 0.00002.
gnomAD v4.1: 40 of 1,613,092 alleles (0.0025%); highest among the groups gnomAD compares: Non-Finnish European, 0.0031%; no homozygotes.

Submissions (3):

GeneDx
Classification: Uncertain significance. Last evaluated: 2025-10-29. Review status: criteria provided, single submitter. Criteria: GeneDx Variant Classification Process June 2021. Collection method: clinical testing. Allele origin: germline.
Comment: Not observed at significant frequency in large population cohorts (gnomAD); In silico analysis suggests that this missense variant does not alter protein structure/function; Has not been previously published as pathogenic or benign to our knowledge

Labcorp Genetics (formerly Invitae), Labcorp
Classification: Uncertain significance for COG5-congenital disorder of glycosylation. Last evaluated: 2022-07-30. Review status: criteria provided, single submitter. Criteria: Invitae Variant Classification Sherloc (09022015). Collection method: clinical testing. Allele origin: germline.
Comment: This sequence change replaces arginine, which is basic and polar, with glutamine, which is neutral and polar, at codon 739 of the COG5 protein (p.Arg739Gln). This variant is present in population databases (rs772812050, gnomAD 0.005%). This variant has not been reported in the literature in individuals affected with COG5-related conditions. ClinVar contains an entry for this variant (Variation ID: 1517538). Algorithms developed to predict the effect of missense changes on protein structure and function are either unavailable or do not agree on the potential impact of this missense change (SIFT: "Tolerated"; PolyPhen-2: "Possibly Damaging"; Align-GVGD: "Class C0"). In summary, the available evidence is currently insufficient to determine the role of this variant in disease. Therefore, it has been classified as a Variant of Uncertain Significance.

Dr. Peter K. Rogan Lab, Western University
No classification provided (evidence only). Condition: Glioma susceptibility 1. Review status: no classification provided. Collection method: in vitro. Allele origin: not applicable. Functional consequence: retained intron. Not counted in ClinVar's aggregate classification.